The following is an entry in ClinVar:

ClinVar aggregate classification (germline): Uncertain significance (1 of 4 stars; one submission).

gnomAD v4.1: 38 of 1,614,206 alleles (0.0024%); highest among the groups gnomAD compares: South Asian, 0.036%; no homozygotes.

Submission:

GeneDx
Classification: Uncertain significance. Last evaluated: 2023-06-05. Review status: criteria provided, single submitter. Criteria: GeneDx Variant Classification Process June 2021. Collection method: clinical testing. Allele origin: germline. Affected: yes.
Comment: In silico analysis supports that this missense variant does not alter protein structure/function; Has not been previously published as pathogenic or benign to our knowledge

NM_004544.4(NDUFA10):c.539G>A (p.Arg180Gln)

Gene: NDUFA10 (NADH:ubiquinone oxidoreductase subunit A10; minus strand). Cytogenetic location: 2q37.3.
Variant type: single nucleotide variant.
Coding change: c.539G>A on transcript NM_004544.4 (MANE Select); coding-DNA position 539, G replaced by A.
Protein change: p.Arg180Gln; replaces arginine 180 with glutamine.
Molecular consequence: missense variant. On other transcripts: non-coding transcript variant (4).
Genome position (GRCh38, 1-based): chr2:240,018,561, C>T on the plus strand (G>A on the coding strand, the complement: NDUFA10 is on the minus strand). VCF-style: chr2-240018561-C-T. GRCh37 (hg19) VCF-style: chr2-240957978-C-T.
Other names: c.539G>A, p.Arg180Gln (NM_001322019.2, NM_001322020.2, NM_001410987.1); short protein forms R180Q.
Identifiers: ClinVar variation 3359400 (VCV003359400.1).